The following is an entry in ClinVar:

ClinVar aggregate classification (germline): Uncertain significance (1 of 4 stars; one submission).

gnomAD v4.1: 15 of 1,608,074 alleles (0.00093%); highest among the groups gnomAD compares: Middle Eastern, 0.016%; no homozygotes.

Submission:

Labcorp Genetics (formerly Invitae), Labcorp
Classification: Uncertain significance. Last evaluated: 2024-12-31. Review status: criteria provided, single submitter. Criteria: Invitae Variant Classification Sherloc (09022015). Collection method: clinical testing. Allele origin: germline.
Comment: This sequence change replaces arginine, which is basic and polar, with histidine, which is basic and polar, at codon 357 of the SMARCD2 protein (p.Arg357His). The frequency data for this variant in the population databases is considered unreliable, as metrics indicate poor data quality at this position in the gnomAD database. This variant has not been reported in the literature in individuals affected with SMARCD2-related conditions. ClinVar contains an entry for this variant (Variation ID: 1470539). Invitae Evidence Modeling of protein sequence and biophysical properties (such as structural, functional, and spatial information, amino acid conservation, physicochemical variation, residue mobility, and thermodynamic stability) indicates that this missense variant is not expected to disrupt SMARCD2 protein function with a negative predictive value of 80%. In summary, the available evidence is currently insufficient to determine the role of this variant in disease. Therefore, it has been classified as a Variant of Uncertain Significance.

NM_001098426.2(SMARCD2):c.1070G>A (p.Arg357His)

Gene: SMARCD2 (SWI/SNF related BAF chromatin remodeling complex subunit D2; minus strand). Cytogenetic location: 17q23.3.
Variant type: single nucleotide variant.
Coding change: c.1070G>A on transcript NM_001098426.2 (MANE Select); coding-DNA position 1070, G replaced by A.
Protein change: p.Arg357His; replaces arginine 357 with histidine.
Molecular consequence: missense variant.
Genome position (GRCh38, 1-based): chr17:63,834,180, C>T on the plus strand (G>A on the coding strand, the complement: SMARCD2 is on the minus strand). VCF-style: chr17-63834180-C-T. GRCh37 (hg19) VCF-style: chr17-61911540-C-T.
Other names: c.845G>A, p.Arg282His (NM_001330439.1); c.926G>A, p.Arg309His (NM_001330440.2); short protein forms R282H, R357H, R309H.
Identifiers: ClinVar variation 1470539 (VCV001470539.7), dbSNP rs147427461, ClinGen allele CA8706328.